The following is an entry in ClinVar:

ClinVar aggregate classification (germline): Uncertain significance. Review status: criteria provided, multiple submitters, no conflicts (2 of 4 stars). 2 submissions from 2 submitters: Uncertain significance (2). Last evaluated 2025-12-01.

Conditions:
Cardiovascular phenotype. Identifiers: MedGen CN230736.
Noonan syndrome 9 (NS9). Identifiers: Orphanet 648, MedGen C4225282, MONDO:0014691, OMIM 616559.

Allele frequency attached by ClinVar (database versions not stated): gnomAD exomes below 0.00001; ExAC 0.00001; ESP Exome Variant Server 0.00008.
gnomAD v4.1: 6 of 1,613,872 alleles (0.00037%); highest among the groups gnomAD compares: Non-Finnish European, 0.00051%; no homozygotes.

Submissions (2):

Labcorp Genetics (formerly Invitae), Labcorp
Classification: Uncertain significance for Noonan syndrome 9. Last evaluated: 2025-12-01. Review status: criteria provided, single submitter. Criteria: Invitae Variant Classification Sherloc (09022015). Collection method: clinical testing. Allele origin: germline.
Comment: This sequence change replaces aspartic acid, which is acidic and polar, with histidine, which is basic and polar, at codon 1099 of the SOS2 protein (p.Asp1099His). This variant is present in population databases (rs373071240, gnomAD 0.0009%). This variant has not been reported in the literature in individuals affected with SOS2-related conditions. ClinVar contains an entry for this variant (Variation ID: 2046673). Invitae Evidence Modeling of protein sequence and biophysical properties (such as structural, functional, and spatial information, amino acid conservation, physicochemical variation, residue mobility, and thermodynamic stability) indicates that this missense variant is not expected to disrupt SOS2 protein function with a negative predictive value of 95%. In summary, the available evidence is currently insufficient to determine the role of this variant in disease. Therefore, it has been classified as a Variant of Uncertain Significance.

Ambry Genetics
Classification: Uncertain significance for Cardiovascular phenotype. Last evaluated: 2023-12-31. Review status: criteria provided, single submitter. Criteria: Ambry Variant Classification Scheme 2023. Collection method: clinical testing. Allele origin: germline.
Comment: The p.D1099H variant (also known as c.3295G>C), located in coding exon 20 of the SOS2 gene, results from a G to C substitution at nucleotide position 3295. The aspartic acid at codon 1099 is replaced by histidine, an amino acid with similar properties. This amino acid position is conserved. In addition, the in silico prediction for this alteration is inconclusive. Since supporting evidence is limited at this time, the clinical significance of this alteration remains unclear.

NM_006939.4(SOS2):c.3295G>C (p.Asp1099His)

Gene: SOS2 (SOS Ras/Rho guanine nucleotide exchange factor 2; minus strand). Cytogenetic location: 14q21.3.
Variant type: single nucleotide variant.
Coding change: c.3295G>C on transcript NM_006939.4 (MANE Select); coding-DNA position 3295, G replaced by C.
Protein change: p.Asp1099His; replaces aspartic acid 1099 with histidine.
Molecular consequence: missense variant.
Genome position (GRCh38, 1-based): chr14:50,130,543, C>G on the plus strand (G>C on the coding strand, the complement: SOS2 is on the minus strand). VCF-style: chr14-50130543-C-G. GRCh37 (hg19) VCF-style: chr14-50597261-C-G.
Other names: c.3196G>C, p.Asp1066His (NM_001411020.1); short protein forms D1066H, D1099H.
Identifiers: ClinVar variation 2046673 (VCV002046673.5), dbSNP rs373071240, ClinGen allele CA7176844.